The following is an entry in ClinVar:

NM_001253697.2(ERBIN):c.675del (p.Phe225fs)

Gene: ERBIN (erbb2 interacting protein; plus strand). Cytogenetic location: 5q12.3.
Variant type: Deletion.
Coding change: c.675del on transcript NM_001253697.2 (MANE Select); coding-DNA position 675, one base deleted (T; older notation c.675delT).
Protein change: p.Phe225fs; shifts the reading frame from phenylalanine 225.
Molecular consequence: frameshift variant.
Genome position (GRCh38, 1-based): chr5:66,024,308, T deleted; the last of 3 consecutive T bases (chr5:66,024,306-66,024,308); deleting any one gives the same sequence. VCF-style (leftmost placement, unchanged base first): chr5-66024305-GT-G. GRCh37 (hg19) VCF-style: chr5-65320133-GT-G.
Other names: c.675del, p.Phe225fs (NM_001006600.3, NM_001253698.2, NM_001253699.2 and 2 more transcripts); short protein forms F225fs.
Identifiers: ClinVar variation 2030239 (VCV002030239.4), dbSNP rs2546712942, ClinGen allele CA2580073376.

ClinVar aggregate classification (germline): Uncertain significance (1 of 4 stars; one submission).

Submission:

Labcorp Genetics (formerly Invitae), Labcorp
Classification: Uncertain significance. Last evaluated: 2022-09-13. Review status: criteria provided, single submitter. Criteria: Invitae Variant Classification Sherloc (09022015). Collection method: clinical testing. Allele origin: germline.
Comment: In summary, the available evidence is currently insufficient to determine the role of this variant in disease. Therefore, it has been classified as a Variant of Uncertain Significance. Algorithms developed to predict the effect of sequence changes on RNA splicing suggest that this variant may disrupt the consensus splice site. This variant has not been reported in the literature in individuals affected with ERBIN-related conditions. This variant is not present in population databases (gnomAD no frequency). This sequence change creates a premature translational stop signal (p.Phe225Leufs*5) in the ERBIN gene. It is expected to result in an absent or disrupted protein product. However, the current clinical and genetic evidence is not sufficient to establish whether loss-of-function variants in ERBIN cause disease.